The following is an entry in ClinVar:

ClinVar aggregate classification (germline): Likely pathogenic. Review status: criteria provided, single submitter (1 of 4 stars). 2 submissions from 2 submitters: Likely pathogenic (1). 1 of the submissions does not count toward it. Last evaluated 2024-04-19.

Submissions (2):

Mayo Clinic Laboratories, Mayo Clinic
Classification: Likely pathogenic. Last evaluated: 2024-04-19. Review status: criteria provided, single submitter. Criteria: ACMG Guidelines, 2015. Collection method: clinical testing. Allele origin: germline. Observed: 1 variant allele.
Comment: PM2_moderate, PS3, PS4_moderate

Academic Unit of Haematology, University of Sheffield
No classification provided. Review status: no classification provided. Collection method: not provided. Allele origin: not provided. Not counted in ClinVar's aggregate classification.

Literature cited by the submitters: PubMed 1380739 (cited by Mayo Clinic Laboratories, Mayo Clinic); PubMed 29186156 (cited by Mayo Clinic Laboratories, Mayo Clinic); PubMed 29378356 (cited by Mayo Clinic Laboratories, Mayo Clinic).

NM_000552.5(VWF):c.4685T>C (p.Leu1562Pro)

Gene: VWF (von Willebrand factor; minus strand). Cytogenetic location: 12p13.31.
Variant type: single nucleotide variant.
Coding change: c.4685T>C on transcript NM_000552.5 (MANE Select); coding-DNA position 4685, T replaced by C.
Protein change: p.Leu1562Pro; replaces leucine 1562 with proline.
Molecular consequence: missense variant.
Genome position (GRCh38, 1-based): chr12:6,018,733, A>G on the plus strand (T>C on the coding strand, the complement: VWF is on the minus strand). VCF-style: chr12-6018733-A-G. GRCh37 (hg19) VCF-style: chr12-6127899-A-G.
Other names: p.Leu1562Pro; c.4685T>C (NM_000552.4); short protein forms L1562P.
Identifiers: ClinVar variation 100381 (VCV000100381.2), dbSNP rs61750111, ClinGen allele CA228637.